The following is an entry in ClinVar:

NM_001130987.2(DYSF):c.4414G>T (p.Glu1472Ter)

Gene: DYSF (dysferlin; plus strand). Cytogenetic location: 2p13.2.
Variant type: single nucleotide variant.
Coding change: c.4414G>T on transcript NM_001130987.2 (MANE Select); coding-DNA position 4414, G replaced by T.
Protein change: p.Glu1472Ter; replaces glutamic acid 1472 with a stop codon.
Molecular consequence: nonsense.
Genome position (GRCh38, 1-based): chr2:71,613,360, G>T. VCF-style: chr2-71613360-G-T. GRCh37 (hg19) VCF-style: chr2-71840490-G-T.
Other names: NM_001130987.2(DYSF):c.4414G>T; p.Glu1472Ter; c.4360G>T (NM_003494.3); c.4363G>T, p.Glu1455Ter (NM_001130455.2, NM_001130983.2); c.4318G>T, p.Glu1440Ter (NM_001130976.2, NM_001130977.2); c.4360G>T, p.Glu1454Ter (NM_001130978.2, NM_003494.4); c.4453G>T, p.Glu1485Ter (NM_001130979.2); c.4411G>T, p.Glu1471Ter (NM_001130980.2, NM_001130981.2); and 3 more; short protein forms E1440*, E1441*, E1454*, E1455*, E1471*, E1472*, E1485*, E1486*.
Identifiers: ClinVar variation 984123 (VCV000984123.14), dbSNP rs576130413, ClinGen allele CA49780605.

ClinVar aggregate classification (germline): Pathogenic. Review status: reviewed by expert panel (3 of 4 stars). 6 submissions from 6 submitters: Pathogenic (1). 5 of the submissions do not count toward it. Last evaluated 2025-06-24.

Conditions:
Autosomal recessive limb-girdle muscular dystrophy. Identifiers: Orphanet 102015, MedGen C2931907, MONDO:0015152.
Neuromuscular disease caused by qualitative or quantitative defects of dysferlin. Also called: Qualitative or quantitative defects of dysferlin; Dysferlinopathy. Identifiers: Orphanet 207073, MedGen C2931687, MONDO:0016145.
Miyoshi muscular dystrophy 1 (MMD1). Identifiers: Orphanet 45448, MedGen C4551973, MONDO:0024545, OMIM 254130.
Autosomal recessive limb-girdle muscular dystrophy type 2B (LGMDR2). Also called: MUSCULAR DYSTROPHY, LIMB-GIRDLE, TYPE 3; Limb-girdle muscular dystrophy, type 2B; MUSCULAR DYSTROPHY, LIMB-GIRDLE, AUTOSOMAL RECESSIVE 2; Limb-Girdle Muscular Dystrophy Type 2B (LGMD2B). Identifiers: Orphanet 268, MedGen C1850889, MONDO:0009676, OMIM 253601.

Allele frequency attached by ClinVar (database versions not stated): gnomAD exomes below 0.00001; gnomAD 0.00001; 1000 Genomes Project 30x 0.00016; 1000 Genomes Project 0.00020; TOPMed below 0.00001.
gnomAD v4.1: 2 of 1,613,540 alleles (0.00012%); highest among the groups gnomAD compares: Admixed American, 0.0033%; no homozygotes.

Submissions (6):

ClinGen Limb Girdle Muscular Dystrophy Variant Curation Expert Panel, ClinGen
Classification: Pathogenic for Autosomal recessive limb-girdle muscular dystrophy. Last evaluated: 2025-06-24. Review status: reviewed by expert panel. Criteria: ClinGen LGMD VCEP ACMG Specifications DYSF V1.0.0. Collection method: curation. Allele origin: germline. Inheritance: Autosomal recessive inheritance.
Comment: The NM_003494.4: c.4360G>T p.(Glu1454Ter) variant in DYSF, which is also known as NM_001130987.2: c.4414G>T p.(Glu1472Ter), is a nonsense variant predicted to cause a premature stop codon in biologically relevant exon 40/55, leading to nonsense mediated decay in a gene in which loss of function is an established disease mechanism (PVS1). This variant has been identified in one individual with late-onset dysferlinopathy, where it was identified in unknown phase with a pathogenic variant (NM_003494.4: c.4756C>T p.(Arg1586Ter), 0.5 pts, PMID: 27602406, 33610434, 33715265, 36983702; PM3_Supporting). In addition to a clinical diagnosis of LGMD, this patient had absent dysferlin protein expression in skeletal muscle, which is highly specific for DYSF-associated LGMD (PMID: 33715265, 36983702, 33610434; PP4_Strong). The highest minor allele frequency of this variant in gnomAD v4.1.0 is 0.00003334 (2/59984 Admixed American alleles), which is less than the LGMD VCEP threshold for PM2_Supporting (0.0001), meeting this criterion (PM2_Supporting). In summary, this variant meets the criteria to be classified as Pathogenic for autosomal recessive limb-girdle muscular dystrophy based on the ACMG/AMP criteria applied, as specified by the ClinGen LGMD VCEP (LGMD VCEP specifications version 1.0.0; 06/24/2025): PVS1, PM3_Supporting, PM2_Supporting, PP4_Strong.

Natera, Inc.
Classification: Pathogenic for Limb-girdle muscular dystrophy type 2B. Last evaluated: 2025-04-03. Review status: criteria provided, single submitter. Criteria: Natera Variant Classification Schema (03/2026). Collection method: clinical testing. Allele origin: germline. Not counted in ClinVar's aggregate classification.
Comment: The c.4360G>T variant in DYSF is a nonsense variant predicted to introduce a stop codon at amino acid 1454. This variant is expected to result in nonsense mediated decay, truncation, or a dysfunctional protein product. This variant is rare in the general population with a frequency below the threshold expected for the associated phenotype(s). This variant has been observed in one or more individuals affected with the associated recessive disease, as either homozygous or compound heterozygous with a second variant (PMID: 33715265, 36983702). Given the available evidence, this variant is classified as Pathogenic.

Baylor Genetics
Classification: Pathogenic for Miyoshi muscular dystrophy 1. Last evaluated: 2024-01-17. Review status: criteria provided, single submitter. Criteria: ACMG Guidelines, 2015. Collection method: clinical testing. Allele origin: unknown. Not counted in ClinVar's aggregate classification.

Women's Health and Genetics/Laboratory Corporation of America, LabCorp
Classification: Likely pathogenic for Autosomal recessive limb-girdle muscular dystrophy. Last evaluated: 2023-03-02. Review status: criteria provided, single submitter. Criteria: LabCorp Variant Classification Summary - May 2015. Collection method: clinical testing. Allele origin: germline. Not counted in ClinVar's aggregate classification.
Comment: Variant summary: DYSF c.4360G>T (p.Glu1454X) results in a premature termination codon, predicted to cause a truncation of the encoded protein or absence of the protein due to nonsense mediated decay, which are commonly known mechanisms for disease. Truncations downstream of this position have been classified as pathogenic by our laboratory. The variant allele was found at a frequency of 4e-06 in 250342 control chromosomes (gnomAD). c.4360G>T has been reported in the literature in individuals affected with dysferlinopathy (example: Harris_2016 and Fernandez-Eulate_2021). To our knowledge, no experimental evidence demonstrating an impact on protein function has been reported. Two clinical diagnostic laboratories have submitted clinical-significance assessments for this variant to ClinVar after 2014 and classified the variant as pathogenic/likely pathogenic. Based on the evidence outlined above, the variant was classified as likely pathogenic.

Labcorp Genetics (formerly Invitae), Labcorp
Classification: Pathogenic for Neuromuscular disease caused by qualitative or quantitative defects of dysferlin. Last evaluated: 2020-01-31. Review status: criteria provided, single submitter. Criteria: Invitae Variant Classification Sherloc (09022015). Collection method: clinical testing. Allele origin: germline. Not counted in ClinVar's aggregate classification.
Comment: Algorithms developed to predict the effect of sequence changes on RNA splicing suggest that this variant may create or strengthen a splice site, but this prediction has not been confirmed by published transcriptional studies. For these reasons, this variant has been classified as Pathogenic. Loss-of-function variants in DYSF are known to be pathogenic (PMID: 17698709, 20301480). This variant has not been reported in the literature in individuals with DYSF-related conditions. This variant is not present in population databases (ExAC no frequency). This sequence change creates a premature translational stop signal (p.Glu1454*) in the DYSF gene. It is expected to result in an absent or disrupted protein product.

Myriad Genetics, Inc.
Classification: Likely pathogenic for Autosomal recessive limb-girdle muscular dystrophy. Last evaluated: 2019-02-26. Review status: criteria provided, single submitter. Criteria: Myriad Autosomal Dominant, Autosomal Recessive and X-Linked Classification Criteria (2023). Collection method: clinical testing. Allele origin: unknown. Not counted in ClinVar's aggregate classification.
Comment: NM_003494.3(DYSF):c.4360G>T(E1454*) is expected to be pathogenic in the context of dysferlinopathy. This variant is predicted to lead to an abnormal or absent protein product due to the creation of a premature termination codon in DYSF, a gene where loss-of-function variants are known to be pathogenic. Please note: this variant was assessed in the context of healthy population screening.

Literature cited by the submitters: PubMed 33715265 (cited by Natera, Inc. and Women's Health and Genetics/Laboratory Corporation of America, LabCorp); PubMed 36983702 (cited by Natera, Inc.); PubMed 27602406 (cited by Women's Health and Genetics/Laboratory Corporation of America, LabCorp); PubMed 33610434 (cited by Women's Health and Genetics/Laboratory Corporation of America, LabCorp); PubMed 17698709 (cited by Labcorp Genetics (formerly Invitae), Labcorp); PubMed 20301480 (cited by Labcorp Genetics (formerly Invitae), Labcorp).